The following is an entry in ClinVar:

ClinVar aggregate classification (germline): Uncertain significance (3 of 4 stars; one submission).

Conditions:
Hereditary antithrombin deficiency (AT3D). Also called: Antithrombin III deficiency; Thrombophilia due to antithrombin III deficiency; Reduced antithrombin III activity; Antithrombin deficiency. Identifiers: Orphanet 82, MedGen C0272375, MONDO:0013144, OMIM 613118, HP:0001976.

Submission:

Clingen Thrombosis Variant Curation Expert Panel, ClinGen
Classification: Uncertain significance for Hereditary antithrombin deficiency. Last evaluated: 2024-05-09. Review status: reviewed by expert panel. Criteria: ClinGen ACMG Specifications SERPINC1 V1.0.0. Collection method: curation. Allele origin: germline. Inheritance: Autosomal dominant inheritance.
Comment: The NM_000488.4:c.391C>G variant in SERPINC1 is a missense variant predicted to cause substitution of Leucine by Valine at amino acid 131 (p.Leu131Val). This variant is also known as antithrombin Southport (Legacy nomenclature: Leu99Val) in the literature. One proband from PMID: 7734360 with AT deficiency (type II-HBS) meets criteria for PP4. At least one patient with this variant displayed AT deficiency (type II- HBS) which is highly specific for SERPINC1 (PP4, PMID: 7734360). Another missense variant, c.391C>T (p.Leu131Phe), in the same codon has been classified as pathogenic for antithrombin deficiency by the ClinGen Thrombosis VCEP (PM5). The computational predictor REVEL gives a score of 0.764, which is above the threshold of 0.6, evidence that correlates with impact to SERPINC1 gene function (PP3). This variant is absent from gnomAD v2.1.1-v4. In summary, this variant meets the criteria to be classified as a variant of uncertain significance for antithrombin deficiency based on the ACMG/AMP criteria applied, as specified by the ClinGen Thrombosis VCEP. (Specifications version 1.0.0; date of approval: 7/17/2023)

NM_000488.4(SERPINC1):c.391C>G (p.Leu131Val)

Gene: SERPINC1 (serpin family C member 1; minus strand). Cytogenetic location: 1q25.1.
Variant type: single nucleotide variant.
Coding change: c.391C>G on transcript NM_000488.4 (MANE Select); coding-DNA position 391, C replaced by G.
Protein change: p.Leu131Val; replaces leucine 131 with valine.
Molecular consequence: missense variant.
Genome position (GRCh38, 1-based): chr1:173,914,570, G>C on the plus strand (C>G on the coding strand, the complement: SERPINC1 is on the minus strand). VCF-style: chr1-173914570-G-C. GRCh37 (hg19) VCF-style: chr1-173883708-G-C.
Other names: NM_001386306.1:c.391C>G; c.247C>G, p.Leu83Val (NM_001365052.2); c.391C>G, p.Leu131Val (NM_001386302.1, NM_001386304.1, NM_001386305.1 and 1 more transcripts); c.472C>G, p.Leu158Val (NM_001386303.1); short protein forms L131V, L158V, L83V.
Identifiers: ClinVar variation 3242374 (VCV003242374.1), dbSNP rs121909567.